The following is an entry in ClinVar:

NM_000135.4(FANCA):c.3251G>C (p.Arg1084Pro)

Gene: FANCA (FA complementation group A; minus strand). Cytogenetic location: 16q24.3.
Variant type: single nucleotide variant.
Coding change: c.3251G>C on transcript NM_000135.4 (MANE Select); coding-DNA position 3251, G replaced by C.
Protein change: p.Arg1084Pro; replaces arginine 1084 with proline.
Molecular consequence: missense variant.
Genome position (GRCh38, 1-based): chr16:89,748,756, C>G on the plus strand (G>C on the coding strand, the complement: FANCA is on the minus strand). VCF-style: chr16-89748756-C-G. GRCh37 (hg19) VCF-style: chr16-89815164-C-G.
Other names: c.3251G>C, p.Arg1084Pro (NM_001286167.3); short protein forms R1084P.
Identifiers: ClinVar variation 2584781 (VCV002584781.1), dbSNP rs752642945, ClinGen allele CA8251251.

ClinVar aggregate classification (germline): Uncertain significance (1 of 4 stars; one submission).

Conditions:
Fanconi anemia complementation group A (FANCA). Also called: FANCA-Related Fanconi Anemia; Fanconi anemia, group A. Identifiers: Orphanet 84, MedGen C3469521, MONDO:0009215, OMIM 227650.

gnomAD v4.1: 2 of 1,613,774 alleles (0.00012%); highest among the groups gnomAD compares: South Asian, 0.0022%; no homozygotes.

Submission:

Neuberg Centre For Genomic Medicine, NCGM
Classification: Uncertain significance for Fanconi anemia complementation group A. Review status: criteria provided, single submitter. Criteria: ACMG Guidelines, 2015. Collection method: clinical testing. Allele origin: germline. Inheritance: Autosomal recessive inheritance. Affected: yes.
Comment: The missense variant c.3251G>C (p.Arg1084Pro) in FANCA gene has not been reported previously as a pathogenic variant nor as a benign variant, to our knowledge. This variant has not been reported to the ClinVar database. The p.Arg1084Pro variant is reported with the allele frequency (0.0008%) in the gnomAD and novel in 1000 genome database. The amino acid Arg at position 1084 is changed to a Pro changing protein sequence and it might alter its composition and physico-chemical properties. The amino acid change p.Arg1084Pro in FANCA is predicted as conserved by GERP++ and PhyloP across 100 vertebrates. For these reasons, this variant has been classified as Uncertain Significance (VUS).